The following is an entry in ClinVar:

ClinVar aggregate classification (germline): Uncertain significance (1 of 4 stars; one submission).

Allele frequency attached by ClinVar (database versions not stated): ExAC 0.00002; gnomAD 0.00003; TOPMed 0.00003; ESP Exome Variant Server 0.00015.
gnomAD v4.1: 5 of 1,613,862 alleles (0.00031%); highest among the groups gnomAD compares: African/African-American, 0.0067%; no homozygotes.

Submission:

Women's Health and Genetics/Laboratory Corporation of America, LabCorp
Classification: Uncertain significance. Last evaluated: 2021-12-15. Review status: criteria provided, single submitter. Criteria: LabCorp Variant Classification Summary - May 2015. Collection method: clinical testing. Allele origin: germline.
Comment: Variant summary: STAT3 c.1049+9T>G alters a non-conserved nucleotide located close to a canonical splice site and therefore could affect mRNA splicing, leading to a significantly altered protein sequence. 4/4 computational tools predict no significant impact on normal splicing. However, these predictions have yet to be confirmed by functional studies. The variant allele was found at a frequency of 1.2e-05 in 251322 control chromosomes (gnomAD). The available data on variant occurrences in the general population are insufficient to allow any conclusion about variant significance. To our knowledge, no occurrence of c.1049+9T>G in individuals affected with Autoimmune Disease, Multisystem, Infantile-Onset, 1 and no experimental evidence demonstrating its impact on protein function have been reported. No clinical diagnostic laboratories have submitted clinical-significance assessments for this variant to ClinVar after 2014. Based on the evidence outlined above, the variant was classified as uncertain significance.

NM_139276.3(STAT3):c.1049+9T>G

Gene: STAT3 (signal transducer and activator of transcription 3; minus strand). Cytogenetic location: 17q21.2.
Variant type: single nucleotide variant.
Coding change: c.1049+9T>G on transcript NM_139276.3 (MANE Select); 9 bases into the intron after coding-DNA position 1049, T replaced by G.
Molecular consequence: intron variant.
Genome position (GRCh38, 1-based): chr17:42,333,664, A>C on the plus strand (T>G on the coding strand, the complement: STAT3 is on the minus strand). VCF-style: chr17-42333664-A-C. GRCh37 (hg19) VCF-style: chr17-40485682-A-C.
Other names: c.953+9T>G (NM_001384989.1); c.1049+9T>G (NM_001384992.1, NM_001384984.1, NM_001369519.1 and 15 more transcripts); c.971+9T>G (NM_001384985.1).
Identifiers: ClinVar variation 1331416 (VCV001331416.1), dbSNP rs374408588, ClinGen allele CA8575489.